The following is an entry in ClinVar:

ClinVar aggregate classification (germline): Pathogenic (1 of 4 stars; one submission).

Submission:

Labcorp Genetics (formerly Invitae), Labcorp
Classification: Pathogenic. Last evaluated: 2022-05-06. Review status: criteria provided, single submitter. Criteria: Invitae Variant Classification Sherloc (09022015). Collection method: clinical testing. Allele origin: germline.
Comment: For these reasons, this variant has been classified as Pathogenic. Algorithms developed to predict the effect of sequence changes on RNA splicing suggest that this variant may create or strengthen a splice site. This variant has not been reported in the literature in individuals affected with NBAS-related conditions. This variant is present in population databases (no rsID available, gnomAD 0.006%). This sequence change creates a premature translational stop signal (p.Tyr388Leufs*40) in the NBAS gene. It is expected to result in an absent or disrupted protein product. Loss-of-function variants in NBAS are known to be pathogenic (PMID: 26073778, 26541327, 27789416, 28031453).

Literature cited by the submitters: PubMed 26073778; PubMed 26541327; PubMed 27789416; PubMed 28031453.

NM_015909.4(NBAS):c.1162dup (p.Tyr388fs)

Gene: NBAS (NBAS subunit of NRZ tethering complex; minus strand). Cytogenetic location: 2p24.3.
Variant type: Duplication.
Coding change: c.1162dup on transcript NM_015909.4 (MANE Select); coding-DNA position 1162, one base duplicated (T; older notation c.1162dupT).
Protein change: p.Tyr388fs; shifts the reading frame from tyrosine 388.
Molecular consequence: frameshift variant. On other transcripts: non-coding transcript variant (1).
Genome position (GRCh38, 1-based): chr2:15,475,866, A duplicated on the plus strand (T on the coding strand, the reverse complement: NBAS is on the minus strand); the first of 4 consecutive A bases (chr2:15,475,866-15,475,869); duplicating any one gives the same sequence. VCF-style (leftmost placement, unchanged base first): chr2-15475865-T-TA. GRCh37 (hg19) VCF-style: chr2-15615989-T-TA.
Other names: short protein forms Y388fs.
Identifiers: ClinVar variation 1927391 (VCV001927391.5), dbSNP rs1319523217, ClinGen allele CA531314957.